The following is an entry in ClinVar:

ClinVar aggregate classification (germline): Uncertain significance (1 of 4 stars; one submission).

Allele frequency attached by ClinVar (database versions not stated): TOPMed 0.00006; ExAC 0.00007; gnomAD 0.00007; gnomAD exomes 0.00010; ESP Exome Variant Server 0.00023.
gnomAD v4.1: 161 of 1,614,122 alleles (0.01%); highest among the groups gnomAD compares: East Asian, 0.02%; no homozygotes.

Submission:

Center for Genomics, Ann and Robert H. Lurie Children's Hospital of Chicago
Classification: Uncertain significance. Last evaluated: 2021-03-30. Review status: criteria provided, single submitter. Criteria: ACMG Guidelines, 2015. Collection method: clinical testing. Allele origin: germline.
Comment: TLN1 NM_006289.3 exon 20 p.Asn838Ser (c.2513A>G): This variant has not been reported in the literature and is present in 0.02% (5/19952) of East Asian alleles in the Genome Aggregation Database. Evolutionary conservation and computational predictive tools for this variant are unclear. Of note, splice prediction tools suggest that this variant may affect splicing. However, further studies are needed to understand its impact. In summary, data on this variant is insufficient for disease classification. Therefore, the clinical significance of this variant is uncertain.

NM_006289.4(TLN1):c.2513A>G (p.Asn838Ser)

Gene: TLN1 (talin 1; minus strand). Cytogenetic location: 9p13.3.
Variant type: single nucleotide variant.
Coding change: c.2513A>G on transcript NM_006289.4 (MANE Select); coding-DNA position 2513, A replaced by G.
Protein change: p.Asn838Ser; replaces asparagine 838 with serine.
Molecular consequence: missense variant.
Genome position (GRCh38, 1-based): chr9:35,716,502, T>C on the plus strand (A>G on the coding strand, the complement: TLN1 is on the minus strand). VCF-style: chr9-35716502-T-C. GRCh37 (hg19) VCF-style: chr9-35716499-T-C.
Other names: short protein forms N838S.
Identifiers: ClinVar variation 2501736 (VCV002501736.1), dbSNP rs145269012, ClinGen allele CA5048875.